The following is an entry in ClinVar:

ClinVar aggregate classification (germline): Likely benign (1 of 4 stars; one submission).

Submission:

CeGaT Center for Human Genetics Tuebingen
Classification: Likely benign. Last evaluated: 2026-09-01. Review status: criteria provided, single submitter. Criteria: CeGaT Center For Human Genetics Tuebingen Variant Classification Criteria Version 2. Collection method: clinical testing. Allele origin: germline. Affected: yes. Observed: 15 variant alleles.
Comment: RNU4-2: BS1

NC_000012.12:g.120291915G>C

Genes: RNU4-2 (RNA, U4 small nuclear 2; minus strand), SIRT4 (sirtuin 4; plus strand). Cytogenetic location: 12q24.23.
Variant type: single nucleotide variant.
Genome position: GRCh38 VCF-style: chr12-120291915-G-C. GRCh37 (hg19) VCF-style: chr12-120729718-G-C.
Identifiers: ClinVar variation 3770758 (VCV003770758.13).